The following is an entry in ClinVar:

ClinVar aggregate classification (germline): Uncertain significance (1 of 4 stars; one submission).

Conditions:
Hereditary cancer-predisposing syndrome. Also called: Tumor predisposition; Hereditary neoplastic syndrome; Neoplastic Syndromes, Hereditary; Hereditary Cancer Syndrome. Identifiers: Orphanet 140162, MedGen C0027672, MeSH D009386, MONDO:0015356.

Allele frequency attached by ClinVar (database versions not stated): TOPMed below 0.00001.

Submission:

Ambry Genetics
Classification: Uncertain significance for Hereditary cancer-predisposing syndrome. Last evaluated: 2023-06-08. Review status: criteria provided, single submitter. Criteria: Ambry Variant Classification Scheme 2023. Collection method: clinical testing. Allele origin: germline.
Comment: The p.M451V variant (also known as c.1351A>G), located in coding exon 10 of the POLD1 gene, results from an A to G substitution at nucleotide position 1351. The methionine at codon 451 is replaced by valine, an amino acid with highly similar properties. This amino acid position is well conserved in available vertebrate species. In addition, this alteration is predicted to be tolerated by in silico analysis. Since supporting evidence is limited at this time, the clinical significance of this alteration remains unclear.

NM_002691.4(POLD1):c.1351A>G (p.Met451Val)

Gene: POLD1 (DNA polymerase delta 1, catalytic subunit; plus strand). Cytogenetic location: 19q13.33.
Variant type: single nucleotide variant.
Coding change: c.1351A>G on transcript NM_002691.4 (MANE Select); coding-DNA position 1351, A replaced by G.
Protein change: p.Met451Val; replaces methionine 451 with valine.
Molecular consequence: missense variant. On other transcripts: non-coding transcript variant (1).
Genome position (GRCh38, 1-based): chr19:50,406,290, A>G. VCF-style: chr19-50406290-A-G. GRCh37 (hg19) VCF-style: chr19-50909547-A-G.
Other names: c.1351A>G, p.Met451Val (NM_001256849.1, NM_001308632.1); short protein forms M451V.
Identifiers: ClinVar variation 818934 (VCV000818934.5), dbSNP rs1601215798, ClinGen allele CA406979929.
Genomic context (GRCh38, chr19:50,406,290, plus strand): 5'-ATCCGGGACTCTTCATTCCAGTCCAAGCAGACGGGCCGGCGGGACACCAAGGTTGTCAGC[A>G]TGGTGGGCCGCGTGCAGATGGACATGCTGCAGGTATGGGCGGGAGGTGGGGTGTGTCCCT-3'
Protein context (NP_002682.2, residues 441-461): TGRRDTKVVS[Met451Val]VGRVQMDMLQ